The following is an entry in ClinVar:

ClinVar aggregate classification (germline): Uncertain significance. Review status: criteria provided, multiple submitters, no conflicts (2 of 4 stars). 2 submissions from 2 submitters: Uncertain significance (2). Last evaluated 2025-07-07.

Conditions:
Hereditary cancer-predisposing syndrome. Also called: Hereditary neoplastic syndrome; Hereditary Cancer Syndrome; Tumor predisposition; Neoplastic Syndromes, Hereditary. Identifiers: Orphanet 140162, MedGen C0027672, MeSH D009386, MONDO:0015356.
Hereditary pheochromocytoma and paraganglioma. Also called: Hereditary pheochromocytoma-paraganglioma; Hereditary Paraganglioma-Pheochromocytoma Syndromes; Hereditary paragangliomas and pheochromocytomas. Identifiers: Orphanet 29072, MedGen C4274332, MONDO:0017366.

Allele frequency attached by ClinVar (database versions not stated): TOPMed 0.00001.

Submissions (2):

Ambry Genetics
Classification: Uncertain significance for Hereditary cancer-predisposing syndrome. Last evaluated: 2025-07-07. Review status: criteria provided, single submitter. Criteria: Ambry Variant Classification Scheme 2023. Collection method: clinical testing. Allele origin: germline.
Comment: The p.A110P variant (also known as c.328G>C), located in coding exon 2 of the TMEM127 gene, results from a G to C substitution at nucleotide position 328. The alanine at codon 110 is replaced by proline, an amino acid with highly similar properties. This amino acid position is conserved. In addition, this alteration is predicted to be deleterious by in silico analysis. Based on the available evidence, the clinical significance of this variant remains unclear.

Labcorp Genetics (formerly Invitae), Labcorp
Classification: Uncertain significance for Hereditary pheochromocytoma and paraganglioma. Last evaluated: 2020-09-23. Review status: criteria provided, single submitter. Criteria: Invitae Variant Classification Sherloc (09022015). Collection method: clinical testing. Allele origin: germline.
Comment: In summary, the available evidence is currently insufficient to determine the role of this variant in disease. Therefore, it has been classified as a Variant of Uncertain Significance. Algorithms developed to predict the effect of missense changes on protein structure and function (SIFT, PolyPhen-2, Align-GVGD) all suggest that this variant is likely to be disruptive, but these predictions have not been confirmed by published functional studies and their clinical significance is uncertain. This variant has not been reported in the literature in individuals with TMEM127-related conditions. This variant is not present in population databases (ExAC no frequency). This sequence change replaces alanine with proline at codon 110 of the TMEM127 protein (p.Ala110Pro). The alanine residue is highly conserved and there is a small physicochemical difference between alanine and proline.

NM_017849.4(TMEM127):c.328G>C (p.Ala110Pro)

Gene: TMEM127 (transmembrane protein 127; minus strand). Cytogenetic location: 2q11.2.
Variant type: single nucleotide variant.
Coding change: c.328G>C on transcript NM_017849.4 (MANE Select); coding-DNA position 328, G replaced by C.
Protein change: p.Ala110Pro; replaces alanine 110 with proline.
Molecular consequence: missense variant.
Genome position (GRCh38, 1-based): chr2:96,254,914, C>G on the plus strand (G>C on the coding strand, the complement: TMEM127 is on the minus strand). VCF-style: chr2-96254914-C-G. GRCh37 (hg19) VCF-style: chr2-96920652-C-G.
Other names: c.328G>C, p.Ala110Pro (NM_001193304.3); c.328G>C (NM_017849.3); short protein forms A110P.
Identifiers: ClinVar variation 1006366 (VCV001006366.9), dbSNP rs767739392, ClinGen allele CA347653439.